The following is an entry in ClinVar:

NM_001386393.1(PANK2):c.968A>C (p.Glu323Ala)

Gene: PANK2 (pantothenate kinase 2; plus strand). Cytogenetic location: 20p13.
Variant type: single nucleotide variant.
Coding change: c.968A>C on transcript NM_001386393.1 (MANE Select); coding-DNA position 968, A replaced by C.
Protein change: p.Glu323Ala; replaces glutamic acid 323 with alanine.
Molecular consequence: missense variant. On other transcripts: 5 prime UTR variant (1), non-coding transcript variant (1).
Genome position (GRCh38, 1-based): chr20:3,912,520, A>C. VCF-style: chr20-3912520-A-C. GRCh37 (hg19) VCF-style: chr20-3893167-A-C.
Other names: c.425A>C, p.Glu142Ala (NM_001324191.2, NM_024960.6, NM_153640.4); c.-11A>C (NM_001324193.2); c.1298A>C, p.Glu433Ala (NM_153638.4); short protein forms E142A, E323A, E433A.
Identifiers: ClinVar variation 4879398 (VCV004879398.1).

ClinVar aggregate classification (germline): Likely pathogenic (1 of 4 stars; one submission).

Conditions:
Pigmentary pallidal degeneration (NBIA1). Also called: HARP SYNDROME; Pantothenate Kinase-Associated Neurodegeneration; Neuroaxonal dystrophy, late infantile; Hallervorden-Spatz disease; Neurodegeneration with brain iron accumulation 1; PKAN NEUROAXONAL DYSTROPHY, JUVENILE-ONSET. Identifiers: Orphanet 157850, MedGen C0018523, MONDO:0009319, OMIM 234200.

Submission:

Laboratorio de Biologia Molecular/Medicina Genomica - IFF/Fiocruz, Instituto Fernandes Figueira, Fundacao Oswaldo Cruz
Classification: Likely pathogenic for Neurodegeneration with brain iron accumulation 1. Last evaluated: 2026-04-15. Review status: criteria provided, single submitter. Criteria: ACMG Guidelines, 2015. Collection method: clinical testing. Allele origin: maternal. Affected: yes. Observed: 2 variant alleles.
Comment: Variant: c.968A>C in exon 4 of the PANK2 gene. Protein effect: Missense variant in a highly conserved residue. In silico tools: predict a deleterious impact. Population database (gnomAD): Absent. The variant demonstrated co-segregation with the phenotype observed in affected family members, according to internal clinical and genetic data. ACMG/AMP criteria applied: PM1, PM3, PM2_Supporting, PP3, PP4, PP1, following ClinGen SVI recommendations.